The following is an entry in ClinVar:

NM_002666.5(PLIN1):c.1386C>G (p.Pro462=)

Genes: PLIN1 (perilipin 1; minus strand), LOC130057886 (ATAC-STARR-seq lymphoblastoid silent region 6802; plus strand). Cytogenetic location: 15q26.1.
Variant type: single nucleotide variant.
Coding change: c.1386C>G on transcript NM_002666.5 (MANE Select); coding-DNA position 1386, C replaced by G.
Protein change: p.Pro462=; no amino-acid change (proline 462 retained).
Molecular consequence: synonymous variant.
Genome position (GRCh38, 1-based): chr15:89,665,766, G>C on the plus strand (C>G on the coding strand, the complement: PLIN1 is on the minus strand). VCF-style: chr15-89665766-G-C. GRCh37 (hg19) VCF-style: chr15-90208997-G-C.
Other names: c.1386C>G, p.Pro462= (NM_001145311.2).
Identifiers: ClinVar variation 3033886 (VCV003033886.2), dbSNP rs569394554, ClinGen allele CA492104552.

ClinVar aggregate classification (germline): Likely benign (0 of 4 stars; one submission).

Conditions:
PLIN1-related disorder. Also called: PLIN1-related condition.

gnomAD v4.1: 1 of 1,274,136 alleles (0.000078%); highest among the groups gnomAD compares: Non-Finnish European, 0.000098%; no homozygotes.

Submission:

PreventionGenetics, part of Exact Sciences
Classification: Likely benign for PLIN1-related condition. Last evaluated: 2019-04-15. Review status: no assertion criteria provided. Collection method: clinical testing. Allele origin: germline.
Comment: This variant is classified as likely benign based on ACMG/AMP sequence variant interpretation guidelines (Richards et al. 2015 PMID: 25741868, with internal and published modifications).